The following is an entry in ClinVar:

NM_001985.3(ETFB):c.292C>T (p.Arg98Cys)

Gene: ETFB (electron transfer flavoprotein subunit beta; minus strand). Cytogenetic location: 19q13.41.
Variant type: single nucleotide variant.
Coding change: c.292C>T on transcript NM_001985.3 (MANE Select); coding-DNA position 292, C replaced by T.
Protein change: p.Arg98Cys; replaces arginine 98 with cysteine.
Molecular consequence: missense variant.
Genome position (GRCh38, 1-based): chr19:51,353,215, G>A on the plus strand (C>T on the coding strand, the complement: ETFB is on the minus strand). VCF-style: chr19-51353215-G-A. GRCh37 (hg19) VCF-style: chr19-51856469-G-A.
Other names: p.R98C:CGC>TGC; c.565C>T, p.Arg189Cys (NM_001014763.1); short protein forms R98C, R189C.
Identifiers: ClinVar variation 203697 (VCV000203697.56), dbSNP rs147353781, ClinGen allele CA312494.

ClinVar aggregate classification (germline): Conflicting classifications of pathogenicity. Review status: criteria provided, conflicting classifications (1 of 4 stars). 8 submissions from 8 submitters: Uncertain significance (1); Benign (1); Likely benign (5). 1 of the submissions does not count toward it. Last evaluated 2026-09-01.

Conditions:
Inborn genetic diseases. Identifiers: MedGen C0950123, MeSH D030342.
ETFB-related disorder. Also called: ETFB-related condition.
Multiple acyl-CoA dehydrogenase deficiency (MADD). Also called: Glutaric acidemia type II; GA 2; ETHYLMALONIC-ADIPICACIDURIA; GA II; Glutaric aciduria, type 2; Glutaric Acidemia type 2. Identifiers: Orphanet 26791, MedGen C0268596, MONDO:0009282, OMIM 231680.
Chronic kidney disease. Identifiers: MedGen C1561643, MONDO:0005300, HP:0012622.

Allele frequency attached by ClinVar (database versions not stated): 1000 Genomes Project 30x 0.00031; 1000 Genomes Project 0.00040; ESP Exome Variant Server 0.00115; gnomAD 0.00133 and 0.00135; TOPMed 0.00142; gnomAD exomes 0.00143 and 0.00186; ExAC 0.00146.
gnomAD v4.1: 2,908 of 1,614,092 alleles (0.18%); highest among the groups gnomAD compares: Middle Eastern, 0.25%; 5 homozygotes.

Submissions (8):

CeGaT Center for Human Genetics Tuebingen
Classification: Likely benign. Last evaluated: 2026-09-01. Review status: criteria provided, single submitter. Criteria: CeGaT Center For Human Genetics Tuebingen Variant Classification Criteria Version 2. Collection method: clinical testing. Allele origin: germline. Affected: yes. Observed: 9 variant alleles.
Comment: ETFB: BP4

Labcorp Genetics (formerly Invitae), Labcorp
Classification: Likely benign for Multiple acyl-CoA dehydrogenase deficiency. Last evaluated: 2026-02-02. Review status: criteria provided, single submitter. Criteria: Invitae Variant Classification Sherloc (09022015). Collection method: clinical testing. Allele origin: germline.

Ambry Genetics
Classification: Likely benign for Inborn genetic diseases. Last evaluated: 2025-01-29. Review status: criteria provided, single submitter. Criteria: Ambry Variant Classification Scheme 2023. Collection method: clinical testing. Allele origin: germline.

Blueprint Genetics
Classification: Likely benign. Last evaluated: 2024-11-28. Review status: criteria provided, single submitter. Criteria: ACMG Guidelines, 2015. Collection method: clinical testing. Allele origin: germline.

Women's Health and Genetics/Laboratory Corporation of America, LabCorp
Classification: Likely benign. Last evaluated: 2024-02-08. Review status: criteria provided, single submitter. Criteria: LabCorp Variant Classification Summary - May 2015. Collection method: clinical testing. Allele origin: germline.
Comment: Variant summary: ETFB c.292C>T (p.Arg98Cys) results in a non-conservative amino acid change located in the Electron transfer flavoprotein, alpha/beta-subunit, N-terminal (IPR014730) of the encoded protein sequence. Four of five in-silico tools predict a benign effect of the variant on protein function. The variant allele was found at a frequency of 0.0014 in 251232 control chromosomes in the gnomAD database, including 1 homozygotes. The observed variant frequency is approximately 1 fold of the estimated maximal expected allele frequency for a pathogenic variant in ETFB causing Glutaric Aciduria, Type 2b phenotype (0.0011), strongly suggesting that the variant is benign. c.292C>T has been reported in the literature in an individual affected with mitochondrial disorders (DaRe_2013), without strong evidence for causality. These report(s) do not provide unequivocal conclusions about association of the variant with Glutaric Aciduria, Type 2b. To our knowledge, no experimental evidence demonstrating an impact on protein function has been reported. The following publication have been ascertained in the context of this evaluation (PMID: 24215330). ClinVar contains an entry for this variant (Variation ID: 203697). Based on the evidence outlined above, the variant was classified as likely benign.

Cavalleri Lab, Royal College of Surgeons in Ireland
Classification: Uncertain significance for Chronic kidney disease. Last evaluated: 2020-05-28. Review status: criteria provided, single submitter. Criteria: ACMG Guidelines, 2015. Collection method: research. Allele origin: unknown. Inheritance: Autosomal recessive inheritance. Affected: yes.

GeneDx
Classification: Benign. Last evaluated: 2014-07-17. Review status: criteria provided, single submitter. Criteria: GeneDx Variant Classification (06012015). Collection method: clinical testing. Allele origin: germline. Affected: yes.
Comment: This variant is considered likely benign or benign based on one or more of the following criteria: it is a conservative change, it occurs at a poorly conserved position in the protein, it is predicted to be benign by multiple in silico algorithms, and/or has population frequency not consistent with disease.

PreventionGenetics, part of Exact Sciences
Classification: Likely benign for ETFB-related condition. Last evaluated: 2020-01-08. Review status: no assertion criteria provided. Collection method: clinical testing. Allele origin: germline. Not counted in ClinVar's aggregate classification.
Comment: This variant is classified as likely benign based on ACMG/AMP sequence variant interpretation guidelines (Richards et al. 2015 PMID: 25741868, with internal and published modifications).

Literature cited by the submitters: PubMed 24215330 (cited by Women's Health and Genetics/Laboratory Corporation of America, LabCorp).